The following is an entry in ClinVar:

NM_004655.4(AXIN2):c.613G>C (p.Glu205Gln)

Gene: AXIN2 (axin 2; minus strand). Cytogenetic location: 17q24.1.
Variant type: single nucleotide variant.
Coding change: c.613G>C on transcript NM_004655.4 (MANE Select); coding-DNA position 613, G replaced by C.
Protein change: p.Glu205Gln; replaces glutamic acid 205 with glutamine.
Molecular consequence: missense variant.
Genome position (GRCh38, 1-based): chr17:65,558,008, C>G on the plus strand (G>C on the coding strand, the complement: AXIN2 is on the minus strand). VCF-style: chr17-65558008-C-G. GRCh37 (hg19) VCF-style: chr17-63554126-C-G.
Other names: c.613G>C, p.Glu205Gln (NM_001363813.1); short protein forms E205Q.
Identifiers: ClinVar variation 5032601 (VCV005032601.1).
Genomic context (GRCh38, chr17:65,558,008, plus strand): 5'-GATAGCCACACACGACCTTTAGGCTCCCGAGTCCCCCATTACTCATGTAAGCTGTGTTTT[C>G]TCCCCCACTCCTCACATATTCGAGGTATATATCAGAAGTCAAAAACATCTGGTAGGCATT-3'
Protein context (NP_004646.3, residues 195-215): IYLEYVRSGG[Glu205Gln]NTAYMSNGGL

ClinVar aggregate classification (germline): Uncertain significance (1 of 4 stars; one submission).

Conditions:
Hereditary cancer-predisposing syndrome. Also called: Neoplastic Syndromes, Hereditary; Tumor predisposition; Hereditary neoplastic syndrome; Hereditary Cancer Syndrome. Identifiers: Orphanet 140162, MedGen C0027672, MeSH D009386, MONDO:0015356.

Submission:

Ambry Genetics
Classification: Uncertain significance for Hereditary cancer-predisposing syndrome. Last evaluated: 2026-07-07. Review status: criteria provided, single submitter. Criteria: Ambry Variant Classification Scheme 2023. Collection method: clinical testing. Allele origin: germline.
Comment: The p.E205Q variant (also known as c.613G>C), located in coding exon 1 of the AXIN2 gene, results from a G to C substitution at nucleotide position 613. The glutamic acid at codon 205 is replaced by glutamine, an amino acid with highly similar properties. This amino acid position is conserved. In addition, the in silico prediction for this alteration is inconclusive. Based on the available evidence, the clinical significance of this variant remains unclear.